The following is an entry in ClinVar:

ClinVar aggregate classification (germline): Uncertain significance (1 of 4 stars; one submission).

Conditions:
Hypertrophic cardiomyopathy. Also called: HYPERTROPHIC MYOCARDIOPATHY. Identifiers: Orphanet 217569, MedGen C0007194, MeSH D002312, MONDO:0005045, HP:0001639.

Submission:

Labcorp Genetics (formerly Invitae), Labcorp
Classification: Uncertain significance for Hypertrophic cardiomyopathy. Last evaluated: 2022-03-08. Review status: criteria provided, single submitter. Criteria: Invitae Variant Classification Sherloc (09022015). Collection method: clinical testing. Allele origin: germline.
Comment: In summary, the available evidence is currently insufficient to determine the role of this variant in disease. Therefore, it has been classified as a Variant of Uncertain Significance. This variant is found within a region of MYH7 between codons 181 and 937 that contains the majority of the myosin head domain. Missense variants in this region have been shown to be significantly overrepresented in individuals with hypertrophic cardiomyopathy (PMID: 27532257). Algorithms developed to predict the effect of missense changes on protein structure and function (SIFT, PolyPhen-2, Align-GVGD) all suggest that this variant is likely to be tolerated. This missense change has been observed in individual(s) with clinical features of MYH7-related conditions (Invitae). This variant is not present in population databases (gnomAD no frequency). This sequence change replaces lysine, which is basic and polar, with arginine, which is basic and polar, at codon 257 of the MYH7 protein (p.Lys257Arg).

Literature cited by the submitters: PubMed 27532257.

NM_000257.4(MYH7):c.770A>G (p.Lys257Arg)

Gene: MYH7 (myosin heavy chain 7; minus strand). Cytogenetic location: 14q11.2.
Variant type: single nucleotide variant.
Coding change: c.770A>G on transcript NM_000257.4 (MANE Select); coding-DNA position 770, A replaced by G.
Protein change: p.Lys257Arg; replaces lysine 257 with arginine.
Molecular consequence: missense variant.
Genome position (GRCh38, 1-based): chr14:23,431,444, T>C on the plus strand (A>G on the coding strand, the complement: MYH7 is on the minus strand). VCF-style: chr14-23431444-T-C. GRCh37 (hg19) VCF-style: chr14-23900653-T-C.
Other names: short protein forms K257R.
Identifiers: ClinVar variation 1419340 (VCV001419340.6), dbSNP rs2138681218, ClinGen allele CA389052090.
Genomic context (GRCh38, chr14:23,431,444, plus strand): 5'-CTTAGGCTGAGCCTAGCAGATTCATGGCACTCACAGGTCTCTATGTCTGCAGATGCCAAC[T>C]TTCCTGTTGCCCCAAAATGAATTCGAATGAATTTCCCCTGGAGAGATGGAAGAGAGTGGT-3'
Protein context (NP_000248.2, residues 247-267): FIRIHFGATG[Lys257Arg]LASADIETYL